The following is an entry in ClinVar:

NM_033380.3(COL4A5):c.1994del (p.Pro665fs)

Gene: COL4A5 (collagen type IV alpha 5 chain; plus strand). Cytogenetic location: Xq22.3.
Variant type: Deletion.
Coding change: c.1994del on transcript NM_033380.3 (MANE Select); coding-DNA position 1994, one base deleted (C; older notation c.1994delC).
Protein change: p.Pro665fs; shifts the reading frame from proline 665.
Molecular consequence: frameshift variant.
Genome position (GRCh38, 1-based): chrX:108,601,438, C deleted; the last of 2 consecutive C bases (chrX:108,601,437-108,601,438); deleting either gives the same sequence. VCF-style (leftmost placement, unchanged base first): chrX-108601436-GC-G. GRCh37 (hg19) VCF-style: chrX-107844666-GC-G.
Other names: c.1994del, p.Pro665fs (NM_000495.5); short protein forms P665fs.
Identifiers: ClinVar variation 2715628 (VCV002715628.3), dbSNP rs2524325659, ClinGen allele CA2697544727.

ClinVar aggregate classification (germline): Pathogenic (1 of 4 stars; one submission).

Submission:

Labcorp Genetics (formerly Invitae), Labcorp
Classification: Pathogenic. Last evaluated: 2023-09-23. Review status: criteria provided, single submitter. Criteria: Invitae Variant Classification Sherloc (09022015). Collection method: clinical testing. Allele origin: germline.
Comment: This sequence change creates a premature translational stop signal (p.Pro665Leufs*13) in the COL4A5 gene. It is expected to result in an absent or disrupted protein product. Loss-of-function variants in COL4A5 are known to be pathogenic (PMID: 9195222, 10752524, 14514738, 24854265, 26809805). This variant is not present in population databases (gnomAD no frequency). This variant has not been reported in the literature in individuals affected with COL4A5-related conditions. For these reasons, this variant has been classified as Pathogenic.

Literature cited by the submitters: PubMed 9195222; PubMed 10752524; PubMed 14514738; PubMed 24854265; PubMed 26809805.